The following is an entry in ClinVar:

ClinVar aggregate classification (germline): Uncertain significance. Review status: criteria provided, multiple submitters, no conflicts (2 of 4 stars). 3 submissions from 3 submitters: Uncertain significance (3). Last evaluated 2024-11-19.

Conditions:
Inborn genetic diseases. Identifiers: MedGen C0950123, MeSH D030342.

Allele frequency attached by ClinVar (database versions not stated): ExAC 0.00002; gnomAD exomes 0.00002; 1000 Genomes Project 30x 0.00016; gnomAD 0.00019 and 0.00020; 1000 Genomes Project 0.00020; TOPMed 0.00065.
gnomAD v4.1: 52 of 1,613,590 alleles (0.0032%); highest among the groups gnomAD compares: Admixed American, 0.068%; no homozygotes.

Submissions (3):

Ambry Genetics
Classification: Uncertain significance for Inborn genetic diseases. Last evaluated: 2024-11-19. Review status: criteria provided, single submitter. Criteria: Ambry Variant Classification Scheme 2023. Collection method: clinical testing. Allele origin: germline.

Labcorp Genetics (formerly Invitae), Labcorp
Classification: Uncertain significance. Last evaluated: 2024-10-25. Review status: criteria provided, single submitter. Criteria: Invitae Variant Classification Sherloc (09022015). Collection method: clinical testing. Allele origin: germline.
Comment: This sequence change replaces alanine, which is neutral and non-polar, with threonine, which is neutral and polar, at codon 793 of the CDHR1 protein (p.Ala793Thr). This variant is present in population databases (rs548995580, gnomAD 0.01%). This variant has not been reported in the literature in individuals affected with CDHR1-related conditions. ClinVar contains an entry for this variant (Variation ID: 852853). Invitae Evidence Modeling of protein sequence and biophysical properties (such as structural, functional, and spatial information, amino acid conservation, physicochemical variation, residue mobility, and thermodynamic stability) indicates that this missense variant is not expected to disrupt CDHR1 protein function with a negative predictive value of 95%. In summary, the available evidence is currently insufficient to determine the role of this variant in disease. Therefore, it has been classified as a Variant of Uncertain Significance.

Blueprint Genetics
Classification: Uncertain significance. Last evaluated: 2020-02-21. Review status: criteria provided, single submitter. Criteria: ACMG Guidelines, 2015. Collection method: clinical testing. Allele origin: germline.

NM_033100.4(CDHR1):c.2377G>A (p.Ala793Thr)

Gene: CDHR1 (cadherin related family member 1; plus strand). Cytogenetic location: 10q23.1.
Variant type: single nucleotide variant.
Coding change: c.2377G>A on transcript NM_033100.4 (MANE Select); coding-DNA position 2377, G replaced by A.
Protein change: p.Ala793Thr; replaces alanine 793 with threonine.
Molecular consequence: missense variant. On other transcripts: intron variant (1).
Genome position (GRCh38, 1-based): chr10:84,214,418, G>A. VCF-style: chr10-84214418-G-A. GRCh37 (hg19) VCF-style: chr10-85974174-G-A.
Other names: c.2040+1070G>A (NM_001171971.3); c.2377G>A (NM_033100.2); short protein forms A793T.
Identifiers: ClinVar variation 852853 (VCV000852853.9), dbSNP rs548995580, ClinGen allele CA5580209.